The following continues an entry in ClinVar:

NM_002834.5(PTPN11):c.172A>C (p.Asn58His)

Gene: PTPN11. ClinVar aggregate classification (germline): Pathogenic. Pathogenic (11).

Submissions 8 to 13 of 13:

Victorian Clinical Genetics Services, Murdoch Childrens Research Institute
Classification: Pathogenic for Noonan syndrome 1. Last evaluated: 2020-06-11. Review status: criteria provided, single submitter. Criteria: ACMG Guidelines, 2015. Collection method: clinical testing. Allele origin: germline. Inheritance: Autosomal dominant inheritance.
Comment: Based on the classification scheme VCGS_Germline_v1.1.1, this variant is classified as Pathogenic. Following criteria are met: 0103 - Both loss- and gain-of-function are known mechanisms of disease for this gene. Metachondromatosis and LEOPARD syndrome have been associated with a loss of function, whereas Noonan syndrome is caused by gain of function variants (OMIM). (N) 0107 - This gene is known to be associated with autosomal dominant disease. (N) 0200 - Variant is predicted to result in a missense amino acid change from asparagine to histidine (exon 3). (N) 0251 - Variant is heterozygous. (N) 0301 - Variant is absent from gnomAD. (P) 0309 - An alternative amino acid change at the same position has been observed in gnomAD (10 heterozygotes, 0 homozygotes). (N) 0502 - Missense variant with conflicting in silico predictions and/or uninformative conservation. (N) 0602 - Variant is located in a hotspot region or cluster of pathogenic variants (SH2 domain; PDB, Decipher). (P) 0701 - Comparable variants have very strong previous evidence for pathogenicity. Multiple alternative changes at the same residue, to tyrosine, aspartic acid and lysine, have previously been reported as pathogenic in multiple patients with Noonan syndrome (ClinVar). (P) 0801 - Strong previous evidence of pathogenicity in unrelated individuals. The variant has previously been reported as pathogenic in multiple patients with Noonan syndrome (PMID: 16263833, ClinVar). (P) 1208 - Inheritance information for this variant is not currently available. (N) Legend: (P) - Pathogenic, (N) - Neutral, (B) - Benign

Center for Pediatric Genomic Medicine, Children's Mercy Hospital and Clinics
Classification: Pathogenic. Last evaluated: 2016-09-06. Review status: criteria provided, single submitter. Criteria: ACMG Guidelines, 2015. Collection method: clinical testing. Allele origin: de novo.

Eurofins Ntd Llc (ga)
Classification: Pathogenic. Last evaluated: 2016-03-21. Review status: criteria provided, single submitter. Criteria: EGL Classification Definitions 2015. Collection method: clinical testing. Allele origin: germline. Observed: 1 variant allele, 1 heterozygote.

Laboratory for Molecular Medicine, Mass General Brigham Personalized Medicine
Classification: Pathogenic for Noonan syndrome. Last evaluated: 2015-10-23. Review status: criteria provided, single submitter. Criteria: LMM Criteria. Collection method: clinical testing. Allele origin: germline. Inheritance: Autosomal dominant inheritance. Observed: 5 variant alleles.
Comment: The p.Asn58His variant in PTPN11 has been previously identified in at least 8 in dividuals with clinical features of Noonan syndrome or Cardio-facio-cutaneous sy ndrome, including two reportedly de novo occurrences (Tartaglia 2006, Limal 2006 , Ezquieta 2012, Bertelloni 2013, LMM unpublished data). It was absent from larg e population studies. In addition, two different amino acid changes at this posi tion (Asn58Asp, Asn58Lys) has also been reported in individuals with clinical fe atures of Noonan syndrome (Mustante 2003, Zenker 2004, Tartaglia 2006, Sherman 2 009, Digilio 2011, Coromilas 2015). Computational prediction tools and conservat ion analysis suggest that this variant may impact the protein, though this infor mation is not predictive enough to determine pathogenicity. In summary, this var iant meets our criteria to be classified as pathogenic for Noonan syndrome in an autosomal dominant manner (MM) based upon segregation studies and absence from controls.

Clinical Molecular Genetics Laboratory, Johns Hopkins All Children's Hospital
Classification: Pathogenic for Noonan syndrome. Last evaluated: 2016-06-07. Review status: no assertion criteria provided. Collection method: clinical testing. Allele origin: germline. Affected: yes. Not counted in ClinVar's aggregate classification.

Greenwood Genetic Center Diagnostic Laboratories, Greenwood Genetic Center
Classification: Pathogenic. Last evaluated: 2015-01-15. Review status: no assertion criteria provided. Collection method: clinical testing. Allele origin: germline. Not counted in ClinVar's aggregate classification.

Literature cited by the submitters: PubMed 12634870 (cited by 3billion and Laboratory for Molecular Medicine, Mass General Brigham Personalized Medicine); PubMed 16263833 (cited by 6 submitters); PubMed 16358218 (cited by 4 submitters); PubMed 21204800 (cited by Labcorp Genetics (formerly Invitae), Labcorp); PubMed 23624134 (cited by 4 submitters); PubMed 23756559 (cited by Labcorp Genetics (formerly Invitae), Labcorp); PubMed 15001945 (cited by 3 submitters); PubMed 15956085 (cited by Labcorp Genetics (formerly Invitae), Labcorp); PubMed 19125092 (cited by Labcorp Genetics (formerly Invitae), Labcorp and Laboratory for Molecular Medicine, Mass General Brigham Personalized Medicine); PubMed 22465605 (cited by Dasa and Laboratory for Molecular Medicine, Mass General Brigham Personalized Medicine); PubMed 33128510 (cited by Dasa); PubMed 26918529 (cited by Dasa and Women's Health and Genetics/Laboratory Corporation of America, LabCorp); PubMed 15385933 (cited by Women's Health and Genetics/Laboratory Corporation of America, LabCorp); PubMed 14644997 (cited by Women's Health and Genetics/Laboratory Corporation of America, LabCorp); PubMed 25097206 (cited by Women's Health and Genetics/Laboratory Corporation of America, LabCorp); PubMed 19047918 (cited by Women's Health and Genetics/Laboratory Corporation of America, LabCorp); PubMed 24803665 (cited by Women's Health and Genetics/Laboratory Corporation of America, LabCorp); PubMed 19179468 (cited by Women's Health and Genetics/Laboratory Corporation of America, LabCorp); PubMed 17972951 (cited by Women's Health and Genetics/Laboratory Corporation of America, LabCorp); PubMed 15710330 (cited by Women's Health and Genetics/Laboratory Corporation of America, LabCorp); PubMed 25395418 (cited by Women's Health and Genetics/Laboratory Corporation of America, LabCorp); PubMed 27276561 (cited by Women's Health and Genetics/Laboratory Corporation of America, LabCorp); PubMed 27069254 (cited by Women's Health and Genetics/Laboratory Corporation of America, LabCorp); PubMed 31219622 (cited by Women's Health and Genetics/Laboratory Corporation of America, LabCorp); PubMed 30417923 (cited by Women's Health and Genetics/Laboratory Corporation of America, LabCorp); PubMed 22190897 (cited by Laboratory for Molecular Medicine, Mass General Brigham Personalized Medicine); PubMed 25914815 (cited by Laboratory for Molecular Medicine, Mass General Brigham Personalized Medicine); PubMed 24150203 (cited by Laboratory for Molecular Medicine, Mass General Brigham Personalized Medicine); PubMed 21407260 (cited by Laboratory for Molecular Medicine, Mass General Brigham Personalized Medicine); PubMed 23832011 (cited by Laboratory for Molecular Medicine, Mass General Brigham Personalized Medicine).